The following is an entry in ClinVar:

NM_003737.4(DCHS1):c.6379C>T (p.Arg2127Cys)

Gene: DCHS1 (dachsous cadherin-related 1; minus strand). Cytogenetic location: 11p15.4.
Variant type: single nucleotide variant.
Coding change: c.6379C>T on transcript NM_003737.4 (MANE Select); coding-DNA position 6379, C replaced by T.
Protein change: p.Arg2127Cys; replaces arginine 2127 with cysteine.
Molecular consequence: missense variant.
Genome position (GRCh38, 1-based): chr11:6,626,366, G>A on the plus strand (C>T on the coding strand, the complement: DCHS1 is on the minus strand). VCF-style: chr11-6626366-G-A. GRCh37 (hg19) VCF-style: chr11-6647597-G-A.
Other names: short protein forms R2127C.
Identifiers: ClinVar variation 2190415 (VCV002190415.4), dbSNP rs774722401, ClinGen allele CA5859869.

ClinVar aggregate classification (germline): Uncertain significance (1 of 4 stars; one submission).

gnomAD v4.1: 21 of 1,613,354 alleles (0.0013%); highest among the groups gnomAD compares: Middle Eastern, 0.016%; no homozygotes.

Submission:

Labcorp Genetics (formerly Invitae), Labcorp
Classification: Uncertain significance. Last evaluated: 2025-06-16. Review status: criteria provided, single submitter. Criteria: Invitae Variant Classification Sherloc (09022015). Collection method: clinical testing. Allele origin: germline.
Comment: This sequence change replaces arginine, which is basic and polar, with cysteine, which is neutral and slightly polar, at codon 2127 of the DCHS1 protein (p.Arg2127Cys). This variant is present in population databases (rs774722401, gnomAD 0.01%). This variant has not been reported in the literature in individuals affected with DCHS1-related conditions. ClinVar contains an entry for this variant (Variation ID: 2190415). Invitae Evidence Modeling of protein sequence and biophysical properties (such as structural, functional, and spatial information, amino acid conservation, physicochemical variation, residue mobility, and thermodynamic stability) indicates that this missense variant is not expected to disrupt DCHS1 protein function with a negative predictive value of 80%. In summary, the available evidence is currently insufficient to determine the role of this variant in disease. Therefore, it has been classified as a Variant of Uncertain Significance.